The following is an entry in ClinVar:

ClinVar aggregate classification (germline): Uncertain significance. Review status: criteria provided, multiple submitters, no conflicts (2 of 4 stars). 3 submissions from 3 submitters: Uncertain significance (3). Last evaluated 2023-06-13.

Conditions:
Cardiovascular phenotype. Identifiers: MedGen CN230736.
Catecholaminergic polymorphic ventricular tachycardia 1. Also called: VENTRICULAR TACHYCARDIA, CATECHOLAMINERGIC POLYMORPHIC, 1, WITH OR WITHOUT ATRIAL DYSFUNCTION AND/OR DILATED CARDIOMYOPATHY; VENTRICULAR TACHYCARDIA, STRESS-INDUCED POLYMORPHIC 1; RYR2-Related Catecholaminergic Polymorphic Ventricular Tachycardia. Identifiers: Orphanet 3286, MedGen C1631597, MONDO:0011484, OMIM 604772.

Allele frequency attached by ClinVar (database versions not stated): gnomAD exomes below 0.00001; ExAC 0.00001; TOPMed 0.00001.
gnomAD v4.1: 5 of 1,611,946 alleles (0.00031%); highest among the groups gnomAD compares: African/African-American, 0.004%; no homozygotes.

Submissions (3):

GeneDx
Classification: Uncertain significance. Last evaluated: 2023-06-13. Review status: criteria provided, single submitter. Criteria: GeneDx Variant Classification Process June 2021. Collection method: clinical testing. Allele origin: germline. Affected: yes.
Comment: Identified in a patient with LVNC in published literature (Cambon-Viala et al., 2021); Not observed at significant frequency in large population cohorts (gnomAD); Not located in one of the three hot-spot regions of the RYR2 gene, where the majority of pathogenic missense variants occur (Medeiros-Domingo et al., 2009); In silico analysis supports that this missense variant does not alter protein structure/function; This variant is associated with the following publications: (PMID: 34088380)

Ambry Genetics
Classification: Uncertain significance for Cardiovascular phenotype. Last evaluated: 2021-08-03. Review status: criteria provided, single submitter. Criteria: Ambry Variant Classification Scheme 2023. Collection method: clinical testing. Allele origin: germline.
Comment: The p.I3765V variant (also known as c.11293A>G), located in coding exon 82 of the RYR2 gene, results from an A to G substitution at nucleotide position 11293. The isoleucine at codon 3765 is replaced by valine, an amino acid with highly similar properties. This amino acid position is well conserved in available vertebrate species; however, valine is the reference amino acid in other vertebrate species. In addition, this alteration is predicted to be tolerated by in silico analysis. Since supporting evidence is limited at this time, the clinical significance of this alteration remains unclear.

Labcorp Genetics (formerly Invitae), Labcorp
Classification: Uncertain significance for Catecholaminergic polymorphic ventricular tachycardia 1. Last evaluated: 2020-02-11. Review status: criteria provided, single submitter. Criteria: Invitae Variant Classification Sherloc (09022015). Collection method: clinical testing. Allele origin: germline.
Comment: In summary, the available evidence is currently insufficient to determine the role of this variant in disease. Therefore, it has been classified as a Variant of Uncertain Significance. Algorithms developed to predict the effect of missense changes on protein structure and function output the following: SIFT: "Deleterious"; PolyPhen-2: "Benign"; Align-GVGD: "Class C0". The valine amino acid residue is found in multiple mammalian species, suggesting that this missense change does not adversely affect protein function. These predictions have not been confirmed by published functional studies and their clinical significance is uncertain. This variant has not been reported in the literature in individuals with RYR2-related conditions. This variant is present in population databases (rs767346230, ExAC 0.01%). This sequence change replaces isoleucine with valine at codon 3765 of the RYR2 protein (p.Ile3765Val). The isoleucine residue is highly conserved and there is a small physicochemical difference between isoleucine and valine.

NM_001035.3(RYR2):c.11293A>G (p.Ile3765Val)

Gene: RYR2 (ryanodine receptor 2; plus strand). Cytogenetic location: 1q43.
Variant type: single nucleotide variant.
Coding change: c.11293A>G on transcript NM_001035.3 (MANE Select); coding-DNA position 11293, A replaced by G.
Protein change: p.Ile3765Val; replaces isoleucine 3765 with valine.
Molecular consequence: missense variant.
Genome position (GRCh38, 1-based): chr1:237,757,744, A>G. VCF-style: chr1-237757744-A-G. GRCh37 (hg19) VCF-style: chr1-237921044-A-G.
Other names: short protein forms I3765V.
Identifiers: ClinVar variation 1046879 (VCV001046879.13), dbSNP rs767346230, ClinGen allele CA084891.